The following is an entry in ClinVar:

NM_024422.6(DSC2):c.1787C>T (p.Ala596Val)

Gene: DSC2 (desmocollin 2; minus strand). Cytogenetic location: 18q12.1.
Variant type: single nucleotide variant.
Coding change: c.1787C>T on transcript NM_024422.6 (MANE Select); coding-DNA position 1787, C replaced by T.
Protein change: p.Ala596Val; replaces alanine 596 with valine.
Molecular consequence: missense variant.
Genome position (GRCh38, 1-based): chr18:31,074,784, G>A on the plus strand (C>T on the coding strand, the complement: DSC2 is on the minus strand). VCF-style: chr18-31074784-G-A. GRCh37 (hg19) VCF-style: chr18-28654750-G-A.
Other names: p.A596V:GCG>GTG; c.1787C>T, p.Ala596Val (NM_004949.5); short protein forms A596V.
Identifiers: ClinVar variation 46171 (VCV000046171.77), dbSNP rs148185335, ClinGen allele CA022565.

ClinVar aggregate classification (germline): Conflicting classifications of pathogenicity. Review status: criteria provided, conflicting classifications (1 of 4 stars). 20 submissions from 20 submitters: Uncertain significance (1); Benign (1); Likely benign (14). 4 of the submissions do not count toward it. Last evaluated 2026-09-01.

Conditions:
DSC2-related disorder. Also called: DSC2-related condition.
Cardiovascular phenotype. Identifiers: MedGen CN230736.
Arrhythmogenic right ventricular cardiomyopathy (ARVD). Also called: Arrhythmogenic Right Ventricular Cardiomyopathy (ARVC); Cardiomyopathy, ARVC; Arrhythmogenic right ventricular dysplasia; Arrhythmogenic cardiomyopathy. Identifiers: Orphanet 247, MedGen C0349788, MeSH D019571, MONDO:0016587. Disease mechanism: loss of function. Inheritance: Various modes of inheritance.
Cardiomyopathy (CMYO). Also called: Cardiomyopathies. Identifiers: Orphanet 167848, MedGen C0878544, MONDO:0004994, HP:0001638. Inheritance: Various modes of inheritance.
Arrhythmogenic right ventricular dysplasia 11. Also called: Arrhythmogenic right ventricular dysplasia 11 with mild palmoplantar keratoderma and woolly hair; Arrhythmogenic Right Ventricular Dysplasia/Cardiomyopathy11; ARRHYTHMOGENIC RIGHT VENTRICULAR DYSPLASIA, FAMILIAL, 11. Identifiers: MedGen C1864850, MONDO:0012506, OMIM 610476.

Allele frequency attached by ClinVar (database versions not stated): gnomAD 0.00060 and 0.00073; TOPMed 0.00074; ESP Exome Variant Server 0.00092; ExAC 0.00125; 1000 Genomes Project 0.00220; 1000 Genomes Project 30x 0.00234.

Submissions (20):

CeGaT Center for Human Genetics Tuebingen
Classification: Likely benign. Last evaluated: 2026-09-01. Review status: criteria provided, single submitter. Criteria: CeGaT Center For Human Genetics Tuebingen Variant Classification Criteria Version 2. Collection method: clinical testing. Allele origin: germline. Affected: yes. Observed: 21 variant alleles.
Comment: DSC2: BS2

PreventionGenetics, part of Exact Sciences
Classification: Likely benign for DSC2-related condition. Last evaluated: 2026-03-27. Review status: criteria provided, single submitter. Criteria: ACMG Guidelines, 2015. Collection method: clinical testing. Allele origin: germline.
Comment: This variant is classified as likely benign based on ACMG/AMP sequence variant interpretation guidelines (Richards et al. 2015 PMID: 25741868, with internal and published modifications).

Labcorp Genetics (formerly Invitae), Labcorp
Classification: Likely benign for Arrhythmogenic right ventricular dysplasia 11. Last evaluated: 2026-02-04. Review status: criteria provided, single submitter. Criteria: Invitae Variant Classification Sherloc (09022015). Collection method: clinical testing. Allele origin: germline.

Mayo Clinic Laboratories, Mayo Clinic
Classification: Likely benign. Last evaluated: 2025-10-13. Review status: criteria provided, single submitter. Criteria: ACMG Guidelines, 2015. Collection method: clinical testing. Allele origin: germline. Observed: 1 variant allele.
Comment: BS1

Blueprint Genetics
Classification: Likely benign. Last evaluated: 2024-11-27. Review status: criteria provided, single submitter. Criteria: ACMG Guidelines, 2015. Collection method: clinical testing. Allele origin: germline.

ARUP Laboratories, Molecular Genetics and Genomics, ARUP Laboratories
Classification: Likely benign. Last evaluated: 2024-07-16. Review status: criteria provided, single submitter. Criteria: ARUP Molecular Germline Variant Investigation Process 2024. Collection method: clinical testing. Allele origin: germline.

Women's Health and Genetics/Laboratory Corporation of America, LabCorp
Classification: Likely benign. Last evaluated: 2024-03-12. Review status: criteria provided, single submitter. Criteria: LabCorp Variant Classification Summary - May 2015. Collection method: clinical testing. Allele origin: germline.

GeneDx
Classification: Likely benign. Last evaluated: 2020-12-03. Review status: criteria provided, single submitter. Criteria: GeneDx Variant Classification Process June 2021. Collection method: clinical testing. Allele origin: germline. Affected: yes.
Comment: This variant is associated with the following publications: (PMID: 26656175, 25163546, 23396983, 23861362, 20031617, 20857253, 25351510, 28600387, 33232181)

CHEO Genetics Diagnostic Laboratory, Children's Hospital of Eastern Ontario
Classification: Benign for Cardiomyopathy. Last evaluated: 2019-09-09. Review status: criteria provided, single submitter. Criteria: ACMG Guidelines, 2015. Collection method: clinical testing. Allele origin: germline. Study: Canadian Open Genetics Repository.

Ambry Genetics
Classification: Likely benign for Cardiovascular phenotype. Last evaluated: 2019-01-28. Review status: criteria provided, single submitter. Criteria: Ambry Variant Classification Scheme 2023. Collection method: clinical testing. Allele origin: germline.

Color Diagnostics, LLC DBA Color Health
Classification: Likely benign for Cardiomyopathy. Last evaluated: 2018-03-09. Review status: criteria provided, single submitter. Criteria: ACMG Guidelines, 2015. Collection method: clinical testing. Allele origin: germline.

Illumina Laboratory Services, Illumina
Classification: Likely benign for Arrhythmogenic right ventricular dysplasia 11. Last evaluated: 2018-02-09. Review status: criteria provided, single submitter. Criteria: ICSL Variant Classification Criteria 13 December 2019. Collection method: clinical testing. Allele origin: germline.
Comment: This variant was observed as part of a predisposition screen in an ostensibly healthy population. A literature search was performed for the gene, cDNA change, and amino acid change (where applicable). Publications were found based on this search. The evidence from the literature, in combination with allele frequency data from public databases where available, was sufficient to determine this variant is unlikely to cause disease. Therefore, this variant is classified as likely benign.

Laboratory for Molecular Medicine, Mass General Brigham Personalized Medicine
Classification: Likely benign. Last evaluated: 2017-04-07. Review status: criteria provided, single submitter. Criteria: LMM Criteria. Collection method: clinical testing. Allele origin: germline. Observed: 8 variant alleles.
Comment: p.Ala596Val in exon 12 of DSC2: This variant is not expected to have clinical si gnificance because it has been identified in 0.3% (49/16468) of South Asian chro mosomes, including 1 homozygous individual, by the Exome Aggregation Consortium (ExAC; dbSNP dbSNP rs148185335).

Molecular Diagnostic Laboratory for Inherited Cardiovascular Disease, Montreal Heart Institute
Classification: Likely benign. Last evaluated: 2016-12-22. Review status: criteria provided, single submitter. Criteria: ACMG Guidelines, 2015. Collection method: clinical testing. Allele origin: germline. Affected: yes.

Genomic Diagnostic Laboratory, Division of Genomic Diagnostics, Children's Hospital of Philadelphia
Classification: Uncertain significance for Arrhythmogenic right ventricular cardiomyopathy. Last evaluated: 2015-08-10. Review status: criteria provided, single submitter. Criteria: DGD Variant Analysis Guidelines. Collection method: clinical testing. Allele origin: unknown.

Biesecker Lab/Clinical Genomics Section, National Institutes of Health
Classification: Likely benign. Last evaluated: 2013-06-24. Review status: criteria provided, single submitter. Criteria: Ng et al. (Circ Cardiovasc Genet. 2013). Collection method: research. Allele origin: unknown. Observed: 1 variant allele. Study: ClinSeq.
Comment: The study set was not selected for affection status in relation to any cancer. Pathogenicity categories were based on literature curation. See Pubmed ID:23861362 for details.

Medical sequencing

Clinical Genetics DNA and cytogenetics Diagnostics Lab, Erasmus MC, Erasmus Medical Center
Classification: Likely benign. Review status: no assertion criteria provided. Collection method: clinical testing. Allele origin: germline. Affected: yes. Study: VKGL Data-share Consensus. Not counted in ClinVar's aggregate classification.

Clinical Genetics, Academic Medical Center
Classification: Benign. Review status: no assertion criteria provided. Collection method: clinical testing. Allele origin: germline. Affected: yes. Study: VKGL Data-share Consensus. Not counted in ClinVar's aggregate classification.

Genome Diagnostics Laboratory, University Medical Center Utrecht
Classification: Likely benign. Review status: no assertion criteria provided. Collection method: clinical testing. Allele origin: germline. Affected: yes. Study: VKGL Data-share Consensus. Not counted in ClinVar's aggregate classification.

Joint Genome Diagnostic Labs from Nijmegen and Maastricht, Radboudumc and MUMC+
Classification: Likely benign. Review status: no assertion criteria provided. Collection method: clinical testing. Allele origin: germline. Affected: yes. Study: VKGL Data-share Consensus. Not counted in ClinVar's aggregate classification.

Literature cited by the submitters: PubMed 20857253 (cited by 4 submitters); PubMed 25163546 (cited by 3 submitters); PubMed 28600387 (cited by Mayo Clinic Laboratories, Mayo Clinic); PubMed 32746448 (cited by Mayo Clinic Laboratories, Mayo Clinic); PubMed 33232181 (cited by Mayo Clinic Laboratories, Mayo Clinic); PubMed 23396983 (cited by Women's Health and Genetics/Laboratory Corporation of America, LabCorp); PubMed 20031617 (cited by 3 submitters); PubMed 26656175 (cited by Women's Health and Genetics/Laboratory Corporation of America, LabCorp); PubMed 26272908 (cited by Women's Health and Genetics/Laboratory Corporation of America, LabCorp); PubMed 23861362 (cited by Ambry Genetics); PubMed 25351510 (cited by Ambry Genetics).